The following is an entry in ClinVar:

NM_001042492.3(NF1):c.3695C>T (p.Pro1232Leu)

Gene: NF1 (neurofibromin 1; plus strand). Cytogenetic location: 17q11.2.
Variant type: single nucleotide variant.
Coding change: c.3695C>T on transcript NM_001042492.3 (MANE Select); coding-DNA position 3695, C replaced by T.
Protein change: p.Pro1232Leu; replaces proline 1232 with leucine.
Molecular consequence: missense variant.
Genome position (GRCh38, 1-based): chr17:31,233,200, C>T. VCF-style: chr17-31233200-C-T. GRCh37 (hg19) VCF-style: chr17-29560218-C-T.
Other names: c.3695C>T, p.Pro1232Leu (NM_000267.4); short protein forms P1232L.
Identifiers: ClinVar variation 1009543 (VCV001009543.7), dbSNP rs2067145287, ClinGen allele CA398990705.

ClinVar aggregate classification (germline): Uncertain significance. Review status: criteria provided, multiple submitters, no conflicts (2 of 4 stars). 2 submissions from 2 submitters: Uncertain significance (2). Last evaluated 2020-06-24.

Conditions:
Hereditary cancer-predisposing syndrome. Also called: Tumor predisposition; Hereditary Cancer Syndrome; Neoplastic Syndromes, Hereditary; Hereditary neoplastic syndrome. Identifiers: Orphanet 140162, MedGen C0027672, MeSH D009386, MONDO:0015356.
Cardiovascular phenotype. Identifiers: MedGen CN230736.
Neurofibromatosis, type 1 (NF1). Also called: VON RECKLINGHAUSEN DISEASE; Neurofibromatosis, type I; NEUROFIBROMATOSIS, TYPE I, SOMATIC; Peripheral type neurofibromatosis. Identifiers: Orphanet 636, MedGen C0027831, MONDO:0018975, OMIM 162200. Disease mechanism: loss of function.

Submissions (2):

Labcorp Genetics (formerly Invitae), Labcorp
Classification: Uncertain significance for Neurofibromatosis, type 1. Last evaluated: 2020-06-24. Review status: criteria provided, single submitter. Criteria: Invitae Variant Classification Sherloc (09022015). Collection method: clinical testing. Allele origin: germline.
Comment: This sequence change replaces proline with leucine at codon 1232 of the NF1 protein (p.Pro1232Leu). The proline residue is moderately conserved and there is a moderate physicochemical difference between proline and leucine. In summary, the available evidence is currently insufficient to determine the role of this variant in disease. Therefore, it has been classified as a Variant of Uncertain Significance. Algorithms developed to predict the effect of missense changes on protein structure and function are either unavailable or do not agree on the potential impact of this missense change (SIFT: "Deleterious"; PolyPhen-2: "Probably Damaging"; Align-GVGD: "Class C0"). This variant has not been reported in the literature in individuals with NF1-related conditions. This variant is not present in population databases (ExAC no frequency).

Ambry Genetics
Classification: Uncertain significance for Cardiovascular phenotype; Hereditary cancer-predisposing syndrome. Last evaluated: 2017-10-19. Review status: criteria provided, single submitter. Criteria: Ambry Variant Classification Scheme 2023. Collection method: clinical testing. Allele origin: germline.
Comment: The p.P1232L variant (also known as c.3695C>T), located in coding exon 27 of the NF1 gene, results from a C to T substitution at nucleotide position 3695. The proline at codon 1232 is replaced by leucine, an amino acid with similar properties. This amino acid position is highly conserved in available vertebrate species. In addition, this alteration is predicted to be deleterious by in silico analysis. Since supporting evidence is limited at this time, the clinical significance of this alteration remains unclear.